The following is an entry in ClinVar:

ClinVar aggregate classification (germline): Uncertain significance. Review status: criteria provided, multiple submitters, no conflicts (2 of 4 stars). 2 submissions from 2 submitters: Uncertain significance (2). Last evaluated 2021-09-01.

Conditions:
Bardet-Biedl syndrome (BBS). Identifiers: Orphanet 110, MedGen C0752166, MONDO:0015229.
Bardet-Biedl syndrome 4 (BBS4). Identifiers: Orphanet 110, MedGen C2936864, MONDO:0014433, OMIM 615982.

Allele frequency attached by ClinVar (database versions not stated): TOPMed below 0.00001; gnomAD 0.00001; gnomAD exomes 0.00001.
gnomAD v4.1: 20 of 1,614,064 alleles (0.0012%); highest among the groups gnomAD compares: African/African-American, 0.0027%; no homozygotes.

Submissions (2):

Labcorp Genetics (formerly Invitae), Labcorp
Classification: Uncertain significance for Bardet-Biedl syndrome. Last evaluated: 2021-09-01. Review status: criteria provided, single submitter. Criteria: Invitae Variant Classification Sherloc (09022015). Collection method: clinical testing. Allele origin: germline.
Comment: This sequence change replaces asparagine with serine at codon 465 of the BBS4 protein (p.Asn465Ser). The asparagine residue is weakly conserved and there is a small physicochemical difference between asparagine and serine. This variant is not present in population databases (ExAC no frequency). This variant has not been reported in the literature in individuals affected with BBS4-related conditions. Algorithms developed to predict the effect of missense changes on protein structure and function output the following: SIFT: "Tolerated"; PolyPhen-2: "Benign"; Align-GVGD: "Class C0". The serine amino acid residue is found in multiple mammalian species, which suggests that this missense change does not adversely affect protein function. In summary, the available evidence is currently insufficient to determine the role of this variant in disease. Therefore, it has been classified as a Variant of Uncertain Significance.

Molecular Endocrinology Laboratory, Christian Medical College
Classification: Uncertain significance for Bardet-Biedl syndrome 4. Review status: criteria provided, single submitter. Criteria: ACMG Guidelines, 2015. Collection method: clinical testing. Allele origin: germline. Affected: yes.

NM_033028.5(BBS4):c.1394A>G (p.Asn465Ser)

Gene: BBS4 (Bardet-Biedl syndrome 4; plus strand). Cytogenetic location: 15q24.1.
Variant type: single nucleotide variant.
Coding change: c.1394A>G on transcript NM_033028.5 (MANE Select); coding-DNA position 1394, A replaced by G.
Protein change: p.Asn465Ser; replaces asparagine 465 with serine.
Molecular consequence: missense variant. On other transcripts: non-coding transcript variant (2).
Genome position (GRCh38, 1-based): chr15:72,736,907, A>G. VCF-style: chr15-72736907-A-G. GRCh37 (hg19) VCF-style: chr15-73029248-A-G.
Other names: c.878A>G, p.Asn293Ser (NM_001252678.2); c.1325A>G, p.Asn442Ser (NM_001320665.2); short protein forms N293S, N465S, N442S.
Identifiers: ClinVar variation 1042055 (VCV001042055.7), dbSNP rs1214182249, ClinGen allele CA393080973.